The following is an entry in ClinVar:

NM_001148.6(ANK2):c.1077T>G (p.Asp359Glu)

Gene: ANK2 (ankyrin 2; plus strand). Cytogenetic location: 4q26.
Variant type: single nucleotide variant.
Coding change: c.1077T>G on transcript NM_001148.6 (MANE Select); coding-DNA position 1077, T replaced by G.
Protein change: p.Asp359Glu; replaces aspartic acid 359 with glutamic acid.
Molecular consequence: missense variant.
Genome position (GRCh38, 1-based): chr4:113,255,821, T>G. VCF-style: chr4-113255821-T-G. GRCh37 (hg19) VCF-style: chr4-114176977-T-G.
Other names: c.1014T>G, p.Asp338Glu (NM_001127493.3, NM_001354239.2, NM_001354243.2 and 14 more transcripts); c.1077T>G, p.Asp359Glu (NM_001354225.2, NM_001354228.2, NM_001354232.2 and 9 more transcripts); c.1122T>G, p.Asp374Glu (NM_001354230.2, NM_001354231.2, NM_001354237.2 and 5 more transcripts); c.990T>G, p.Asp330Glu (NM_001354249.2, NM_001354260.2, NM_001354264.2 and 16 more transcripts); c.1035T>G, p.Asp345Glu (NM_001354261.2, NM_001386147.1, NM_001386160.1); c.1065T>G, p.Asp355Glu (NM_001354269.3, NM_001386148.2, NM_001386186.2); c.1128T>G, p.Asp376Glu (NM_001386174.1); c.1104T>G, p.Asp368Glu (NM_001386175.1); and 1 more; short protein forms D347E, D368E, D374E, D355E, D359E, D330E, D338E, D345E.
Identifiers: ClinVar variation 3539656 (VCV003539656.1).

ClinVar aggregate classification (germline): Uncertain significance (1 of 4 stars; one submission).

Conditions:
Cardiovascular phenotype. Identifiers: MedGen CN230736.

Submission:

Ambry Genetics
Classification: Uncertain significance for Cardiovascular phenotype. Last evaluated: 2024-09-04. Review status: criteria provided, single submitter. Criteria: Ambry Variant Classification Scheme 2023. Collection method: clinical testing. Allele origin: germline.
Comment: The p.D359E variant (also known as c.1077T>G), located in coding exon 11 of the ANK2 gene, results from a T to G substitution at nucleotide position 1077. The aspartic acid at codon 359 is replaced by glutamic acid, an amino acid with highly similar properties. This amino acid position is conserved. In addition, this alteration is predicted to be tolerated by in silico analysis. Based on the available evidence, the clinical significance of this variant remains unclear.